The following is an entry in ClinVar:

NM_000038.6(APC):c.4325C>G (p.Pro1442Arg)

Gene: APC (APC regulator of Wnt signaling pathway; plus strand). Cytogenetic location: 5q22.2.
Variant type: single nucleotide variant.
Coding change: c.4325C>G on transcript NM_000038.6 (MANE Select); coding-DNA position 4325, C replaced by G.
Protein change: p.Pro1442Arg; replaces proline 1442 with arginine.
Molecular consequence: missense variant. On other transcripts: non-coding transcript variant (2).
Genome position (GRCh38, 1-based): chr5:112,839,919, C>G. VCF-style: chr5-112839919-C-G. GRCh37 (hg19) VCF-style: chr5-112175616-C-G.
Other names: c.4325C>G (NM_000038.5); c.4325C>G, p.Pro1442Arg (NM_001127510.3, NM_001354895.2, NM_001407450.1); c.4271C>G, p.Pro1424Arg (NM_001127511.3); c.4379C>G, p.Pro1460Arg (NM_001354896.2, NM_001407447.1, NM_001407448.1 and 1 more transcripts); c.4355C>G, p.Pro1452Arg (NM_001354897.2); c.4250C>G, p.Pro1417Arg (NM_001354898.2); c.4241C>G, p.Pro1414Arg (NM_001354899.2); c.4202C>G, p.Pro1401Arg (NM_001354900.2); and 12 more; short protein forms P1313R, P1351R, P1435R, P1452R, P1159R, P1282R, P1316R, P1359R.
Identifiers: ClinVar variation 2734770 (VCV002734770.4), dbSNP rs1277706594, ClinGen allele CA16030811.

ClinVar aggregate classification (germline): Uncertain significance. Review status: criteria provided, multiple submitters, no conflicts (2 of 4 stars). 2 submissions from 2 submitters: Uncertain significance (2). Last evaluated 2025-07-08.

Conditions:
Hereditary cancer-predisposing syndrome. Also called: Tumor predisposition; Hereditary Cancer Syndrome; Neoplastic Syndromes, Hereditary; Hereditary neoplastic syndrome. Identifiers: Orphanet 140162, MedGen C0027672, MeSH D009386, MONDO:0015356.
Familial adenomatous polyposis 1 (FAP1). Also called: POLYPOSIS, ADENOMATOUS INTESTINAL; FAMILIAL ADENOMATOUS POLYPOSIS 1, ATTENUATED. Identifiers: MedGen C2713442, MONDO:0021056, OMIM 175100. Disease mechanism: loss of function.

Allele frequency attached by ClinVar (database versions not stated): gnomAD exomes below 0.00001.
gnomAD v4.1: 1 of 1,614,076 alleles (0.000062%); highest among the groups gnomAD compares: South Asian, 0.0011%; no homozygotes.

Submissions (2):

Ambry Genetics
Classification: Uncertain significance for Hereditary cancer-predisposing syndrome. Last evaluated: 2025-07-08. Review status: criteria provided, single submitter. Criteria: Ambry Variant Classification Scheme 2023. Collection method: clinical testing. Allele origin: germline.
Comment: The p.P1442R variant (also known as c.4325C>G), located in coding exon 15 of the APC gene, results from a C to G substitution at nucleotide position 4325. The proline at codon 1442 is replaced by arginine, an amino acid with dissimilar properties. This variant has been identified in conjunction with a pathogenic APC variant in an individual with early-onset colorectal cancer (Pearlman R et al. JAMA Oncol, 2017 Apr;3:464-471). This amino acid position is well conserved in available vertebrate species. In addition, in silico predictors for this gene do not accurately predict pathogenicity. Missense alterations in APC are not a common cause of disease (Spier I et al. Genet Med. 2024 Feb;26(2):100992). Based on the available evidence, the clinical significance of this variant remains unclear.

Labcorp Genetics (formerly Invitae), Labcorp
Classification: Uncertain significance for Familial adenomatous polyposis 1. Last evaluated: 2024-04-15. Review status: criteria provided, single submitter. Criteria: Invitae Variant Classification Sherloc (09022015). Collection method: clinical testing. Allele origin: germline.
Comment: This sequence change replaces proline, which is neutral and non-polar, with arginine, which is basic and polar, at codon 1442 of the APC protein (p.Pro1442Arg). This variant is present in population databases (no rsID available, gnomAD 0.003%). This variant has not been reported in the literature in individuals affected with APC-related conditions. Advanced modeling of protein sequence and biophysical properties (such as structural, functional, and spatial information, amino acid conservation, physicochemical variation, residue mobility, and thermodynamic stability) performed at Invitae indicates that this missense variant is not expected to disrupt APC protein function with a negative predictive value of 95%. In summary, the available evidence is currently insufficient to determine the role of this variant in disease. Therefore, it has been classified as a Variant of Uncertain Significance.

Literature cited by the submitters: PubMed 27978560 (cited by Ambry Genetics).